The following is an entry in ClinVar:

ClinVar aggregate classification (germline): Uncertain significance (1 of 4 stars; one submission).

Submission:

Ambry Genetics
Classification: Uncertain significance. Last evaluated: 2024-06-30. Review status: criteria provided, single submitter. Criteria: Ambry Variant Classification Scheme 2023. Collection method: clinical testing. Allele origin: germline.
Comment: The p.N1181D variant (also known as c.3541A>G), located in coding exon 16 of the POLQ gene, results from an A to G substitution at nucleotide position 3541. The asparagine at codon 1181 is replaced by aspartic acid, an amino acid with highly similar properties. This amino acid position is conserved. In addition, this alteration is predicted to be tolerated by in silico analysis. Based on the available evidence, the clinical significance of this variant remains unclear.

NM_199420.4(POLQ):c.3541A>G (p.Asn1181Asp)

Gene: POLQ (DNA polymerase theta; minus strand). Cytogenetic location: 3q13.33.
Variant type: single nucleotide variant.
Coding change: c.3541A>G on transcript NM_199420.4 (MANE Select); coding-DNA position 3541, A replaced by G.
Protein change: p.Asn1181Asp; replaces asparagine 1181 with aspartic acid.
Molecular consequence: missense variant.
Genome position (GRCh38, 1-based): chr3:121,489,390, T>C on the plus strand (A>G on the coding strand, the complement: POLQ is on the minus strand). VCF-style: chr3-121489390-T-C. GRCh37 (hg19) VCF-style: chr3-121208237-T-C.
Other names: short protein forms N1181D.
Identifiers: ClinVar variation 3422428 (VCV003422428.1).